The following is an entry in ClinVar:

ClinVar aggregate classification (germline): Conflicting classifications of pathogenicity. Review status: criteria provided, conflicting classifications (1 of 4 stars). 3 submissions from 3 submitters: Uncertain significance (2); Likely benign (1). Last evaluated 2025-06-18.

Conditions:
Hereditary cancer-predisposing syndrome. Also called: Neoplastic Syndromes, Hereditary; Hereditary Cancer Syndrome; Hereditary neoplastic syndrome; Tumor predisposition. Identifiers: Orphanet 140162, MedGen C0027672, MeSH D009386, MONDO:0015356.
Hereditary breast ovarian cancer syndrome. Also called: Hereditary breast and ovarian cancer syndrome (HBOC); Hereditary breast and ovarian cancer syndrome; Breast and ovarian cancer; Hereditary breast and/or ovarian cancer syndrome; Hereditary breast and ovarian cancer; BRCA1- and BRCA2-Associated Hereditary Breast and Ovarian Cancer. Identifiers: Orphanet 145, MedGen C0677776, MeSH D061325, MONDO:0003582. Disease mechanism: loss of function.

Allele frequency attached by ClinVar (database versions not stated): TOPMed below 0.00001.

Submissions (3):

Color Diagnostics, LLC DBA Color Health
Classification: Uncertain significance for Hereditary cancer-predisposing syndrome. Last evaluated: 2025-06-18. Review status: criteria provided, single submitter. Criteria: ACMG Guidelines, 2015. Collection method: clinical testing. Allele origin: germline.
Comment: This missense variant replaces glutamic acid with lysine at codon 1717 of the BRCA2 protein. Computational prediction suggests that this variant may not impact protein structure and function. To our knowledge, functional studies have not been reported for this variant. This variant has been detected in a breast cancer case-control meta-analysis in 1/60466 cases and 2/53461 unaffected individuals (PMID: 33471991Leiden Open Variation Database DB-ID BRCA2_006093). This variant has not been identified in the general population by the Genome Aggregation Database (gnomAD). The available evidence is insufficient to determine the role of this variant in disease conclusively. Therefore, this variant is classified as a Variant of Uncertain Significance.

Labcorp Genetics (formerly Invitae), Labcorp
Classification: Uncertain significance for Hereditary breast ovarian cancer syndrome. Last evaluated: 2024-03-01. Review status: criteria provided, single submitter. Criteria: Invitae Variant Classification Sherloc (09022015). Collection method: clinical testing. Allele origin: germline.
Comment: This sequence change replaces glutamic acid, which is acidic and polar, with lysine, which is basic and polar, at codon 1717 of the BRCA2 protein (p.Glu1717Lys). This variant is not present in population databases (gnomAD no frequency). This variant has not been reported in the literature in individuals affected with BRCA2-related conditions. ClinVar contains an entry for this variant (Variation ID: 462365). Advanced modeling of protein sequence and biophysical properties (such as structural, functional, and spatial information, amino acid conservation, physicochemical variation, residue mobility, and thermodynamic stability) performed at Invitae indicates that this missense variant is not expected to disrupt BRCA2 protein function with a negative predictive value of 95%. In summary, the available evidence is currently insufficient to determine the role of this variant in disease. Therefore, it has been classified as a Variant of Uncertain Significance.

University of Washington Department of Laboratory Medicine, University of Washington
Classification: Likely benign for Hereditary cancer-predisposing syndrome. Last evaluated: 2023-03-23. Review status: criteria provided, single submitter. Criteria: Dines et al. (Genet Med. 2020). Collection method: curation. Allele origin: germline.
Comment: Missense variant in a coldspot region where missense variants are very unlikely to be pathogenic (PMID:31911673).

BRCA2 exon 11 coldspot. Reclassification based on statistical prior probability.

Literature cited by the submitters: PubMed 33471991 (cited by Color Diagnostics, LLC DBA Color Health).

NM_000059.4(BRCA2):c.5149G>A (p.Glu1717Lys)

Gene: BRCA2 (BRCA2 DNA repair associated; plus strand). Cytogenetic location: 13q13.1.
Variant type: single nucleotide variant.
Coding change: c.5149G>A on transcript NM_000059.4 (MANE Select); coding-DNA position 5149, G replaced by A.
Protein change: p.Glu1717Lys; replaces glutamic acid 1717 with lysine.
Molecular consequence: missense variant.
Genome position (GRCh38, 1-based): chr13:32,339,504, G>A. VCF-style: chr13-32339504-G-A. GRCh37 (hg19) VCF-style: chr13-32913641-G-A.
Other names: short protein forms E1717K.
Identifiers: ClinVar variation 462365 (VCV000462365.11), dbSNP rs893978143, ClinGen allele CA247509100.